The following is an entry in ClinVar:

ClinVar aggregate classification (germline): Likely pathogenic. Review status: criteria provided, multiple submitters, no conflicts (2 of 4 stars). 2 submissions from 2 submitters: Likely pathogenic (2). Last evaluated 2024-06-24.

Conditions:
Charcot-Marie-Tooth disease axonal type 2V. Also called: CHARCOT-MARIE-TOOTH NEUROPATHY, TYPE 2V; CHARCOT-MARIE-TOOTH DISEASE, AXONAL, AUTOSOMAL DOMINANT, TYPE 2V. Identifiers: Orphanet 447964, MedGen C5569050, MONDO:0014665, OMIM 616491.
Mucopolysaccharidosis, MPS-III-B (MPS3B). Also called: N-ACETYL-ALPHA-D-GLUCOSAMINIDASE DEFICIENCY; NAGLU DEFICIENCY; SANFILIPPO SYNDROME B; MPS III B; Mucopolysaccharidosis type IIIB (Sanfilippo B); MUCOPOLYSACCHARIDOSIS, TYPE IIIB. Identifiers: Orphanet 79270, MedGen C0086648, MONDO:0009656, OMIM 252920.

Allele frequency attached by ClinVar (database versions not stated): gnomAD 0.00001; TOPMed below 0.00001.

Submissions (2):

Fulgent Genetics
Classification: Likely pathogenic for Mucopolysaccharidosis, MPS-III-B; Charcot-Marie-Tooth disease axonal type 2V. Last evaluated: 2024-06-24. Review status: criteria provided, single submitter. Criteria: ACMG Guidelines, 2015. Collection method: clinical testing. Allele origin: germline.

Labcorp Genetics (formerly Invitae), Labcorp
Classification: Likely pathogenic for Charcot-Marie-Tooth disease axonal type 2V; Mucopolysaccharidosis, MPS-III-B. Last evaluated: 2023-07-26. Review status: criteria provided, single submitter. Criteria: Invitae Variant Classification Sherloc (09022015). Collection method: clinical testing. Allele origin: germline.
Comment: In summary, the currently available evidence indicates that the variant is pathogenic, but additional data are needed to prove that conclusively. Therefore, this variant has been classified as Likely Pathogenic. Experimental studies have shown that this missense change affects NAGLU function (PMID: 11836372). Advanced modeling of protein sequence and biophysical properties (such as structural, functional, and spatial information, amino acid conservation, physicochemical variation, residue mobility, and thermodynamic stability) performed at Invitae indicates that this missense variant is expected to disrupt NAGLU protein function. This missense change has been observed in individual(s) with mucopolysaccharidosis type III (PMID: 30070758). This variant is not present in population databases (gnomAD no frequency). This sequence change replaces arginine, which is basic and polar, with cysteine, which is neutral and slightly polar, at codon 130 of the NAGLU protein (p.Arg130Cys).

Literature cited by the submitters: PubMed 11836372 (cited by Labcorp Genetics (formerly Invitae), Labcorp); PubMed 30070758 (cited by Labcorp Genetics (formerly Invitae), Labcorp).

NM_000263.4(NAGLU):c.388C>T (p.Arg130Cys)

Gene: NAGLU (N-acetyl-alpha-glucosaminidase; plus strand). Cytogenetic location: 17q21.2.
Variant type: single nucleotide variant.
Coding change: c.388C>T on transcript NM_000263.4 (MANE Select); coding-DNA position 388, C replaced by T.
Protein change: p.Arg130Cys; replaces arginine 130 with cysteine.
Molecular consequence: missense variant.
Genome position (GRCh38, 1-based): chr17:42,537,402, C>T. VCF-style: chr17-42537402-C-T. GRCh37 (hg19) VCF-style: chr17-40689420-C-T.
Other names: short protein forms R130C.
Identifiers: ClinVar variation 2925618 (VCV002925618.4), dbSNP rs2092909477, ClinGen allele CA399597909.